The following is an entry in ClinVar:

ClinVar aggregate classification (germline): Uncertain significance. Review status: criteria provided, multiple submitters, no conflicts (2 of 4 stars). 2 submissions from 2 submitters: Uncertain significance (2). Last evaluated 2025-12-08.

Conditions:
Primary ciliary dyskinesia. Also called: Ciliary dyskinesia. Identifiers: Orphanet 244, MedGen C0008780, MONDO:0016575, HP:0012265.
Primary ciliary dyskinesia 28. Also called: CILIARY DYSKINESIA, PRIMARY, 28, WITH OR WITHOUT SITUS INVERSUS. Identifiers: Orphanet 244, MedGen C3809706, MONDO:0014216, OMIM 615505.

Allele frequency attached by ClinVar (database versions not stated): ESP Exome Variant Server 0.00008; TOPMed 0.00010; 1000 Genomes Project 0.00020; 1000 Genomes Project 30x 0.00031; gnomAD exomes 0.00001 and 0.00003; ExAC 0.00004; gnomAD 0.00005.
gnomAD v4.1: 21 of 1,532,088 alleles (0.0014%); highest among the groups gnomAD compares: African/African-American, 0.021%; no homozygotes.

Submissions (2):

Ambry Genetics
Classification: Uncertain significance for Primary ciliary dyskinesia. Last evaluated: 2025-12-08. Review status: criteria provided, single submitter. Criteria: Ambry Variant Classification Scheme 2023. Collection method: clinical testing. Allele origin: germline.

Labcorp Genetics (formerly Invitae), Labcorp
Classification: Uncertain significance for Primary ciliary dyskinesia 28. Last evaluated: 2025-10-18. Review status: criteria provided, single submitter. Criteria: Invitae Variant Classification Sherloc (09022015). Collection method: clinical testing. Allele origin: germline.
Comment: This sequence change replaces histidine, which is basic and polar, with proline, which is neutral and non-polar, at codon 187 of the SPAG1 protein (p.His187Pro). The frequency data for this variant in the population databases is considered unreliable, as metrics indicate poor data quality at this position in the gnomAD database. This variant has not been reported in the literature in individuals affected with SPAG1-related conditions. ClinVar contains an entry for this variant (Variation ID: 541533). Invitae Evidence Modeling of protein sequence and biophysical properties (such as structural, functional, and spatial information, amino acid conservation, physicochemical variation, residue mobility, and thermodynamic stability) has been performed for this missense variant. However, the output from this modeling did not meet the statistical confidence thresholds required to predict the impact of this variant on SPAG1 protein function. In summary, the available evidence is currently insufficient to determine the role of this variant in disease. Therefore, it has been classified as a Variant of Uncertain Significance.

NM_003114.5(SPAG1):c.560A>C (p.His187Pro)

Gene: SPAG1 (sperm associated antigen 1; plus strand). Cytogenetic location: 8q22.2.
Variant type: single nucleotide variant.
Coding change: c.560A>C on transcript NM_003114.5 (MANE Select); coding-DNA position 560, A replaced by C.
Protein change: p.His187Pro; replaces histidine 187 with proline.
Molecular consequence: missense variant.
Genome position (GRCh38, 1-based): chr8:100,184,027, A>C. VCF-style: chr8-100184027-A-C. GRCh37 (hg19) VCF-style: chr8-101196255-A-C.
Other names: c.560A>C, p.His187Pro (NM_001374321.1, NM_172218.3); short protein forms H187P.
Identifiers: ClinVar variation 541533 (VCV000541533.12), dbSNP rs140986857, ClinGen allele CA4827295.